The following is an entry in ClinVar:

NM_001114122.3(CHEK1):c.85A>G (p.Arg29Gly)

Gene: CHEK1 (checkpoint kinase 1; plus strand). Cytogenetic location: 11q24.2.
Variant type: single nucleotide variant.
Coding change: c.85A>G on transcript NM_001114122.3 (MANE Select); coding-DNA position 85, A replaced by G.
Protein change: p.Arg29Gly; replaces arginine 29 with glycine.
Molecular consequence: missense variant. On other transcripts: non-coding transcript variant (1), intron variant (2).
Genome position (GRCh38, 1-based): chr11:125,627,626, A>G. VCF-style: chr11-125627626-A-G. GRCh37 (hg19) VCF-style: chr11-125497521-A-G.
Other names: c.85A>G, p.Arg29Gly (NM_001114121.2, NM_001244846.1, NM_001274.5); c.-15+793A>G (NM_001330427.2); c.7+793A>G (NM_001330428.1); short protein forms R29G.
Identifiers: ClinVar variation 496140 (VCV000496140.1), dbSNP rs1555067411, ClinGen allele CA383190150.

ClinVar aggregate classification (germline): Uncertain significance (1 of 4 stars; one submission).

Submission:

Women's Health and Genetics/Laboratory Corporation of America, LabCorp
Classification: Uncertain significance. Last evaluated: 2016-03-03. Review status: criteria provided, single submitter. Criteria: LabCorp Variant Classification Summary - May 2015. Collection method: clinical testing. Allele origin: germline.
Comment: Variant summary: The c.85A>G variant affects a conserved nucleotide, resulting in amino acid change from Arg to Gly. 4/4 in-silico tools predict damaging outcome for this variant (SNPs&GO not captured due to low reliability index). This variant is not found in approximately 118808 control chromosomes from ExAC. The variant of interest has not, to our knowledge, been reported in affected individuals via publications and/or reputable databases/clinical laboratories; nor evaluated for functional impact by in vivo/vitro studies. Because of the absence of clinical information and the lack of functional studies, the variant was classified as a variant of uncertain significance (VUS) until additional information becomes available.